The following is an entry in ClinVar:

NM_001374736.1(DST):c.13909C>G (p.Pro4637Ala)

Gene: DST (dystonin; minus strand). Cytogenetic location: 6p12.1.
Variant type: single nucleotide variant.
Coding change: c.13909C>G on transcript NM_001374736.1 (MANE Select); coding-DNA position 13909, C replaced by G.
Protein change: p.Pro4637Ala; replaces proline 4637 with alanine.
Molecular consequence: missense variant.
Genome position (GRCh38, 1-based): chr6:56,568,565, G>C on the plus strand (C>G on the coding strand, the complement: DST is on the minus strand). VCF-style: chr6-56568565-G-C. GRCh37 (hg19) VCF-style: chr6-56433363-G-C.
Other names: c.7552C>G, p.Pro2518Ala (NM_001144769.5); c.7138C>G, p.Pro2380Ala (NM_001144770.2); c.13909C>G, p.Pro4637Ala (NM_001374722.1); c.13276C>G, p.Pro4426Ala (NM_001374729.1); c.7018C>G, p.Pro2340Ala (NM_001374730.1, NM_001386100.1, NM_183380.4); c.13936C>G, p.Pro4646Ala (NM_001374734.1); c.6040C>G, p.Pro2014Ala (NM_015548.5); short protein forms P2380A, P4637A, P2014A, P2340A, P4426A, P4646A, P2518A.
Identifiers: ClinVar variation 2191730 (VCV002191730.4), dbSNP rs1233835439, ClinGen allele CA364524977.

ClinVar aggregate classification (germline): Uncertain significance (1 of 4 stars; one submission).

Conditions:
Hereditary sensory and autonomic neuropathy type 6. Also called: HSAN VI; Neuropathy, hereditary sensory and autonomic, type VI. Identifiers: Orphanet 314381, MedGen C3539003, MONDO:0013839, OMIM 614653.
Epidermolysis bullosa simplex 3, localized or generalized intermediate, with BP230 deficiency (EBS3). Also called: Epidermolysis bullosa simplex due to BP230 deficiency; Epidermolysis bullosa simplex, autosomal recessive 2. Identifiers: Orphanet 412181, MedGen C3809470, MONDO:0014180, OMIM 615425.

Allele frequency attached by ClinVar (database versions not stated): gnomAD exomes below 0.00001.
gnomAD v4.1: 5 of 1,610,704 alleles (0.00031%); highest among the groups gnomAD compares: Non-Finnish European, 0.00017%; no homozygotes.

Submission:

Labcorp Genetics (formerly Invitae), Labcorp
Classification: Uncertain significance for Epidermolysis bullosa simplex 3, localized or generalized intermediate, with BP230 deficiency; Hereditary sensory and autonomic neuropathy type 6. Last evaluated: 2025-08-19. Review status: criteria provided, single submitter. Criteria: Invitae Variant Classification Sherloc (09022015). Collection method: clinical testing. Allele origin: germline.
Comment: The DST gene has multiple clinically relevant transcripts. This variant occurs in alternate transcript NM_015548.4, and corresponds to NM_001723.5:c.*46952C>G in the primary transcript. This sequence change replaces proline, which is neutral and non-polar, with alanine, which is neutral and non-polar, at codon 2014 of the DST protein (p.Pro2014Ala). This variant is not present in population databases (gnomAD no frequency). This variant has not been reported in the literature in individuals affected with DST-related conditions. Experimental studies and prediction algorithms are not available or were not evaluated, and the functional significance of this variant is currently unknown. In summary, the available evidence is currently insufficient to determine the role of this variant in disease. Therefore, it has been classified as a Variant of Uncertain Significance.